The following is an entry in ClinVar:

ClinVar aggregate classification (germline): Uncertain significance (1 of 4 stars; one submission).

Allele frequency attached by ClinVar (database versions not stated): gnomAD exomes below 0.00001; TOPMed 0.00001; gnomAD 0.00003.
gnomAD v4.1: 7 of 1,613,980 alleles (0.00043%); highest among the groups gnomAD compares: African/African-American, 0.0093%; no homozygotes.

Submission:

Labcorp Genetics (formerly Invitae), Labcorp
Classification: Uncertain significance. Last evaluated: 2022-11-11. Review status: criteria provided, single submitter. Criteria: Invitae Variant Classification Sherloc (09022015). Collection method: clinical testing. Allele origin: germline.
Comment: This variant is not present in population databases (gnomAD no frequency). In summary, the available evidence is currently insufficient to determine the role of this variant in disease. Therefore, it has been classified as a Variant of Uncertain Significance. Variants that disrupt the consensus splice site are a relatively common cause of aberrant splicing (PMID: 17576681, 9536098). Algorithms developed to predict the effect of sequence changes on RNA splicing suggest that this variant is not likely to affect RNA splicing. This variant has not been reported in the literature in individuals affected with ABCA1-related conditions. This sequence change falls in intron 11 of the ABCA1 gene. It does not directly change the encoded amino acid sequence of the ABCA1 protein. It affects a nucleotide within the consensus splice site.

Literature cited by the submitters: PubMed 17576681; PubMed 9536098.

NM_005502.4(ABCA1):c.1312-3C>T

Gene: ABCA1 (ATP binding cassette subfamily A member 1; minus strand). Cytogenetic location: 9q31.1.
Variant type: single nucleotide variant.
Coding change: c.1312-3C>T on transcript NM_005502.4 (MANE Select); 3 bases into the intron before coding-DNA position 1312, C replaced by T.
Molecular consequence: intron variant.
Genome position (GRCh38, 1-based): chr9:104,832,774, G>A on the plus strand (C>T on the coding strand, the complement: ABCA1 is on the minus strand). VCF-style: chr9-104832774-G-A. GRCh37 (hg19) VCF-style: chr9-107595055-G-A.
Identifiers: ClinVar variation 3008130 (VCV003008130.3), dbSNP rs1193365924, ClinGen allele CA858052022.